The following is an entry in ClinVar:

ClinVar aggregate classification (germline): Uncertain significance (0 of 4 stars; one submission).

Submission:

Department of Pathology and Laboratory Medicine, Sinai Health System
Classification: Uncertain significance. Review status: no assertion criteria provided. Collection method: clinical testing. Allele origin: unknown. Affected: yes. Study: The Canadian Open Genetics Repository (COGR).
Comment: The COL5A1 p.His4Gln variant was not identified in the literature nor was it identified in dbSNP, ClinVar or LOVD 3.0. The variant was also not identified in the following control databases: the 1000 Genomes Project, the NHLBI GO Exome Sequencing Project, the Exome Aggregation Consortium (August 8th 2016), or the Genome Aggregation Database (Feb 27, 2017). The variant occurs outside of the splicing consensus sequence and in silico or computational prediction software programs (SpliceSiteFinder, MaxEntScan, NNSPLICE, GeneSplicer) do not predict a change in splicing. The p.His4 residue is conserved in mammals and computational analyses (PolyPhen-2, SIFT, AlignGVGD, BLOSUM, MutationTaster) provide inconsistent predictions regarding the impact to the protein; this information is not very predictive of pathogenicity. In summary, based on the above information the clinical significance of this variant cannot be determined with certainty at this time. This variant is classified as a variant of uncertain significance.

NM_000093.5(COL5A1):c.12T>G (p.His4Gln)

Gene: COL5A1 (collagen type V alpha 1 chain; plus strand). Cytogenetic location: 9q34.3.
Variant type: single nucleotide variant.
Coding change: c.12T>G on transcript NM_000093.5 (MANE Select); coding-DNA position 12, T replaced by G.
Protein change: p.His4Gln; replaces histidine 4 with glutamine.
Molecular consequence: missense variant.
Genome position (GRCh38, 1-based): chr9:134,642,199, T>G. VCF-style: chr9-134642199-T-G. GRCh37 (hg19) VCF-style: chr9-137534045-T-G.
Other names: c.12T>G, p.His4Gln (NM_001278074.1); short protein forms H4Q.
Identifiers: ClinVar variation 1049621 (VCV001049621.1), dbSNP rs368818087, ClinGen allele CA375443779.
Genomic context (GRCh38, chr9:134,642,199, plus strand): 5'-CCGCGCGCCTCCGAGCGCCCCTGTGCGCCCCGGCCCGCGCCCCGCCGGCATGGACGTCCA[T>G]ACCCGCTGGAAAGCGCGCAGCGCGCTCCGCCCGGGCGCCCCGCTGCTGCCCCCGCTGCTG-3'
Protein context (NP_000084.3, residues 1-14): MDV[His4Gln]TRWKARSALR